The following is an entry in ClinVar:

NM_001754.5(RUNX1):c.1082C>G (p.Thr361Ser)

Gene: RUNX1 (RUNX family transcription factor 1; minus strand). Cytogenetic location: 21q22.12.
Variant type: single nucleotide variant.
Coding change: c.1082C>G on transcript NM_001754.5 (MANE Select); coding-DNA position 1082, C replaced by G.
Protein change: p.Thr361Ser; replaces threonine 361 with serine.
Molecular consequence: missense variant.
Genome position (GRCh38, 1-based): chr21:34,792,496, G>C on the plus strand (C>G on the coding strand, the complement: RUNX1 is on the minus strand). VCF-style: chr21-34792496-G-C. GRCh37 (hg19) VCF-style: chr21-36164793-G-C.
Other names: NM_001754.5(RUNX1):c.1082C>G; p.Thr361Ser; c.1001C>G, p.Thr334Ser (NM_001001890.3); short protein forms T361S, T334S.
Identifiers: ClinVar variation 463976 (VCV000463976.12), dbSNP rs1017287894, ClinGen allele CA410148192.

ClinVar aggregate classification (germline): Uncertain significance. Review status: reviewed by expert panel (3 of 4 stars). 3 submissions from 3 submitters: Uncertain significance (1). 2 of the submissions do not count toward it. Last evaluated 2025-03-26.

Conditions:
Hereditary thrombocytopenia and hematologic cancer predisposition syndrome. Identifiers: Orphanet 71290, MedGen CN281654, MONDO:0011071.
Inborn genetic diseases. Identifiers: MedGen C0950123, MeSH D030342.
Hereditary thrombocytopenia and hematological cancer predisposition syndrome associated with RUNX1. Also called: PLATELET DISORDER, ASPIRIN-LIKE; Familial Platelet Disorder with Propensity to Acute Myelogenous Leukemia; Familial thrombocytopenia with propensity to acute myelogenous leukemia; RUNX1 Familial Platelet Disorder with Associated Myeloid Malignancies. Identifiers: Orphanet 71290, MedGen C1832388, MeSH C563324, MONDO:0100083, OMIM 601399.

Allele frequency attached by ClinVar (database versions not stated): TOPMed below 0.00001.
gnomAD v4.1: 1 of 1,596,838 alleles (0.000063%); highest among the groups gnomAD compares: Non-Finnish European, 0.000085%; no homozygotes.

Submissions (3):

ClinGen Myeloid Malignancy Variant Curation Expert Panel
Classification: Uncertain significance for Hereditary thrombocytopenia and hematologic cancer predisposition syndrome. Last evaluated: 2025-03-26. Review status: reviewed by expert panel. Criteria: ClinGen MyeloMalig ACMG Specifications v2. Collection method: curation. Allele origin: germline. Inheritance: Autosomal dominant inheritance.
Comment: NM_001754.5(RUNX1):c.1082C>G (p.Thr361Ser) is a missense variant which has a REVEL score < 0.50 (0.031) and a SpliceAI score ≤ 0.20 (0.0) (BP4). In summary, the clinical significance of this variant is uncertain. ACMG/AMP criteria applied, as specified by the Myeloid Malignancy Variant Curation Expert Panel for RUNX1: BP4.

Ambry Genetics
Classification: Likely benign for Inborn genetic diseases. Last evaluated: 2025-11-19. Review status: criteria provided, single submitter. Criteria: Ambry Variant Classification Scheme 2023. Collection method: clinical testing. Allele origin: germline. Not counted in ClinVar's aggregate classification.

Labcorp Genetics (formerly Invitae), Labcorp
Classification: Uncertain significance for Hereditary thrombocytopenia and hematological cancer predisposition syndrome associated with RUNX1. Last evaluated: 2025-09-23. Review status: criteria provided, single submitter. Criteria: Invitae Variant Classification Sherloc (09022015). Collection method: clinical testing. Allele origin: germline. Not counted in ClinVar's aggregate classification.
Comment: This sequence change replaces threonine, which is neutral and polar, with serine, which is neutral and polar, at codon 361 of the RUNX1 protein (p.Thr361Ser). This variant is not present in population databases (gnomAD no frequency). This variant has not been reported in the literature in individuals affected with RUNX1-related conditions. ClinVar contains an entry for this variant (Variation ID: 463976). Invitae Evidence Modeling of protein sequence and biophysical properties (such as structural, functional, and spatial information, amino acid conservation, physicochemical variation, residue mobility, and thermodynamic stability) has been performed for this missense variant. However, the output from this modeling did not meet the statistical confidence thresholds required to predict the impact of this variant on RUNX1 protein function. In summary, the available evidence is currently insufficient to determine the role of this variant in disease. Therefore, it has been classified as a Variant of Uncertain Significance.